The following is an entry in ClinVar:

NM_020433.5(JPH2):c.59G>T (p.Gly20Val)

Gene: JPH2 (junctophilin 2; minus strand). Cytogenetic location: 20q13.12.
Variant type: single nucleotide variant.
Coding change: c.59G>T on transcript NM_020433.5 (MANE Select); coding-DNA position 59, G replaced by T.
Protein change: p.Gly20Val; replaces glycine 20 with valine.
Molecular consequence: missense variant.
Genome position (GRCh38, 1-based): chr20:44,186,647, C>A on the plus strand (G>T on the coding strand, the complement: JPH2 is on the minus strand). VCF-style: chr20-44186647-C-A. GRCh37 (hg19) VCF-style: chr20-42815287-C-A.
Other names: c.59G>T, p.Gly20Val (NM_175913.4); short protein forms G20V.
Identifiers: ClinVar variation 4040914 (VCV004040914.1).

ClinVar aggregate classification (germline): Uncertain significance (1 of 4 stars; one submission).

Conditions:
Cardiovascular phenotype. Identifiers: MedGen CN230736.

Submission:

Ambry Genetics
Classification: Uncertain significance for Cardiovascular phenotype. Last evaluated: 2025-06-01. Review status: criteria provided, single submitter. Criteria: Ambry Variant Classification Scheme 2023. Collection method: clinical testing. Allele origin: germline.
Comment: The p.G20V variant (also known as c.59G>T), located in coding exon 1 of the JPH2 gene, results from a G to T substitution at nucleotide position 59. The glycine at codon 20 is replaced by valine, an amino acid with dissimilar properties. This amino acid position is conserved. In addition, this alteration is predicted to be tolerated by in silico analysis. Based on the available evidence, the clinical significance of this variant remains unclear.